The following is an entry in ClinVar:

NM_057175.5(NAA15):c.1185_1187dup (p.Tyr396Ter)

Gene: NAA15 (N-alpha-acetyltransferase 15, NatA auxiliary subunit; plus strand). Cytogenetic location: 4q31.1.
Variant type: Duplication.
Coding change: c.1185_1187dup on transcript NM_057175.5 (MANE Select); coding-DNA positions 1185 to 1187, 3 bases duplicated (GTA; older notation c.1185_1187dupGTA).
Protein change: p.Tyr396Ter; replaces tyrosine 396 with a stop codon.
Molecular consequence: nonsense.
Genome position (GRCh38, 1-based): chr4:139,357,483-139,357,485, GTA duplicated; duplicating any 3 consecutive bases within chr4:139,357,482-139,357,485 gives the same sequence; the c. name uses the placement nearest the transcript's 3' end. VCF-style (leftmost placement, unchanged base first): chr4-139357481-G-GAGT. GRCh37 (hg19) VCF-style: chr4-140278635-G-GAGT.
Other names: c.1185_1187dup, p.Tyr396Ter (NM_001410842.1); short protein forms Y396*.
Identifiers: ClinVar variation 3652107 (VCV003652107.2).

ClinVar aggregate classification (germline): Pathogenic (1 of 4 stars; one submission).

Submission:

Labcorp Genetics (formerly Invitae), Labcorp
Classification: Pathogenic. Last evaluated: 2025-04-14. Review status: criteria provided, single submitter. Criteria: Invitae Variant Classification Sherloc (09022015). Collection method: clinical testing. Allele origin: germline.
Comment: This sequence change creates a premature translational stop signal (p.Tyr396*) in the NAA15 gene. It is expected to result in an absent or disrupted protein product. Loss-of-function variants in NAA15 are known to be pathogenic (PMID: 28191889, 29656860). This variant is not present in population databases (gnomAD no frequency). This variant has not been reported in the literature in individuals affected with NAA15-related conditions. ClinVar contains an entry for this variant (Variation ID: 3652107). For these reasons, this variant has been classified as Pathogenic.

Literature cited by the submitters: PubMed 28191889; PubMed 29656860.